The following is an entry in ClinVar:

NM_001126128.2(PROK2):c.3GAG[3] (p.Arg2_Ser3insArg)

Gene: PROK2 (prokineticin 2; minus strand). Cytogenetic location: 3p13.
Variant type: Microsatellite.
Coding change: c.3GAG[3] on transcript NM_001126128.2 (MANE Select); three copies in a row of the 3-base unit GAG starting at c.3; the reference has two copies in a row; one copy, 3 bases duplicated.
Protein change: p.Arg2_Ser3insArg.
Molecular consequence: inframe insertion, initiator codon variant.
Genome position (GRCh38, 1-based): chr3:71,785,045-71,785,047, CTC duplicated on the plus strand (GAG on the coding strand, the reverse complement: PROK2 is on the minus strand); duplicating any 3 consecutive bases within chr3:71,785,045-71,785,050 gives the same sequence; the position shown is the placement nearest the transcript's 3' end. VCF-style (leftmost placement, unchanged base first): chr3-71785044-G-GCTC. GRCh37 (hg19) VCF-style: chr3-71834195-G-GCTC.
Other names: c.3GAG[3], p.Arg2_Ser3insArg (NM_021935.4).
Identifiers: ClinVar variation 3343791 (VCV003343791.1).

ClinVar aggregate classification (germline): Uncertain significance (1 of 4 stars; one submission).

Submission:

GeneDx
Classification: Uncertain significance. Last evaluated: 2023-05-22. Review status: criteria provided, single submitter. Criteria: GeneDx Variant Classification Process June 2021. Collection method: clinical testing. Allele origin: germline. Affected: yes.
Comment: In-frame insertion of 1 amino acid in a non-repeat region; Not observed at significant frequency in large population cohorts (gnomAD); Has not been previously published as pathogenic or benign to our knowledge